The following is an entry in ClinVar:

ClinVar aggregate classification (germline): Uncertain significance (1 of 4 stars; one submission).

Conditions:
Microcephaly-intellectual disability-sensorineural hearing loss-epilepsy-abnormal muscle tone syndrome (NEDHSB). Also called: NEURODEVELOPMENTAL DISORDER WITH HEARING LOSS, SEIZURES, AND BRAIN ABNORMALITIES. Identifiers: Orphanet 457351, MedGen C4225276, MONDO:0014698, OMIM 616577.

Submission:

Labcorp Genetics (formerly Invitae), Labcorp
Classification: Uncertain significance for Microcephaly-intellectual disability-sensorineural hearing loss-epilepsy-abnormal muscle tone syndrome. Last evaluated: 2024-06-17. Review status: criteria provided, single submitter. Criteria: Invitae Variant Classification Sherloc (09022015). Collection method: clinical testing. Allele origin: germline.
Comment: This sequence change replaces glycine, which is neutral and non-polar, with glutamic acid, which is acidic and polar, at codon 663 of the SPATA5 protein (p.Gly663Glu). This variant is not present in population databases (gnomAD no frequency). This variant has not been reported in the literature in individuals affected with SPATA5-related conditions. ClinVar contains an entry for this variant (Variation ID: 2108876). Advanced modeling of protein sequence and biophysical properties (such as structural, functional, and spatial information, amino acid conservation, physicochemical variation, residue mobility, and thermodynamic stability) performed at Invitae indicates that this missense variant is expected to disrupt SPATA5 protein function with a positive predictive value of 95%. In summary, the available evidence is currently insufficient to determine the role of this variant in disease. Therefore, it has been classified as a Variant of Uncertain Significance.

NM_145207.3(AFG2A):c.1988G>A (p.Gly663Glu)

Gene: AFG2A (AAA ATPase AFG2A; plus strand). Cytogenetic location: 4q28.1.
Variant type: single nucleotide variant.
Coding change: c.1988G>A on transcript NM_145207.3 (MANE Select); coding-DNA position 1988, G replaced by A.
Protein change: p.Gly663Glu; replaces glycine 663 with glutamic acid.
Molecular consequence: missense variant.
Genome position (GRCh38, 1-based): chr4:123,028,304, G>A. VCF-style: chr4-123028304-G-A. GRCh37 (hg19) VCF-style: chr4-123949459-G-A.
Other names: c.1985G>A, p.Gly662Glu (NM_001317799.2, NM_001345856.2); short protein forms G662E, G663E.
Identifiers: ClinVar variation 2108876 (VCV002108876.3), dbSNP rs1729145979, ClinGen allele CA358102646.